The following is an entry in ClinVar:

NM_004586.3(RPS6KA3):c.631+9_631+12del

Gene: RPS6KA3 (ribosomal protein S6 kinase A3; minus strand). Cytogenetic location: Xp22.12.
Variant type: Deletion.
Coding change: c.631+9_631+12del on transcript NM_004586.3 (MANE Select); bases 9 to 12 of the intron after coding-DNA position 631, 4 bases deleted (AAAA; older notation c.631+9_631+12delAAAA).
Molecular consequence: intron variant.
Genome position (GRCh38, 1-based): chrX:20,188,485-20,188,488, TTTT deleted on the plus strand (AAAA on the coding strand, the reverse complement: RPS6KA3 is on the minus strand); deleting any 4 consecutive bases within chrX:20,188,485-20,188,494 gives the same sequence; the c. name uses the placement nearest the transcript's 3' end. VCF-style (leftmost placement, unchanged base first): chrX-20188484-ATTTT-A. GRCh37 (hg19) VCF-style: chrX-20206602-ATTTT-A.
Identifiers: ClinVar variation 3353331 (VCV003353331.1).
Genomic context (GRCh38, chrX:20,188,484, plus strand): 5'-CCACAATCAACCTTAAAGGAAAGTATATATTGTAGGAGAAAATATTTTAATAAAACGAGG[ATTTT>A]TTTTTTACCTGTTAACTTGATGTGACCTTCTTCATCAAGAAGTATACTGAAAAAAACAAA-3'

ClinVar aggregate classification (germline): Likely benign (0 of 4 stars; one submission).

Conditions:
RPS6KA3-related disorder. Also called: RPS6KA3-related condition.

Submission:

PreventionGenetics, part of Exact Sciences
Classification: Likely benign for RPS6KA3-related condition. Last evaluated: 2022-04-15. Review status: no assertion criteria provided. Collection method: clinical testing. Allele origin: germline.
Comment: This variant is classified as likely benign based on ACMG/AMP sequence variant interpretation guidelines (Richards et al. 2015 PMID: 25741868, with internal and published modifications).